The following is an entry in ClinVar:

ClinVar aggregate classification (germline): Uncertain significance. Review status: criteria provided, multiple submitters, no conflicts (2 of 4 stars). 2 submissions from 2 submitters: Uncertain significance (2). Last evaluated 2024-10-21.

Conditions:
Glycogen storage disease, type II (IOPD). Also called: Glycogen storage disease type 2; Acid maltase deficiency disease; Aglucosidase alfa; Deficiency of alpha-glucosidase; Deficiency of lysosomal alpha-glucosidase; GLYCOGEN STORAGE DISEASE II, INFANTILE-ONSET. Identifiers: Orphanet 365, MedGen C0017921, MONDO:0009290, OMIM 232300.

Submissions (2):

Labcorp Genetics (formerly Invitae), Labcorp
Classification: Uncertain significance for Glycogen storage disease, type II. Last evaluated: 2024-10-21. Review status: criteria provided, single submitter. Criteria: Invitae Variant Classification Sherloc (09022015). Collection method: clinical testing. Allele origin: germline.
Comment: This sequence change replaces leucine, which is neutral and non-polar, with arginine, which is basic and polar, at codon 745 of the GAA protein (p.Leu745Arg). This variant is not present in population databases (gnomAD no frequency). This variant has not been reported in the literature in individuals affected with GAA-related conditions. ClinVar contains an entry for this variant (Variation ID: 2441608). Invitae Evidence Modeling of protein sequence and biophysical properties (such as structural, functional, and spatial information, amino acid conservation, physicochemical variation, residue mobility, and thermodynamic stability) indicates that this missense variant is expected to disrupt GAA protein function with a positive predictive value of 95%. In summary, the available evidence is currently insufficient to determine the role of this variant in disease. Therefore, it has been classified as a Variant of Uncertain Significance.

Revvity Omics, Revvity
Classification: Uncertain significance. Last evaluated: 2021-11-10. Review status: criteria provided, single submitter. Criteria: ACMG Guidelines, 2015. Collection method: clinical testing. Allele origin: germline.

NM_000152.5(GAA):c.2234T>G (p.Leu745Arg)

Gene: GAA (alpha glucosidase; plus strand). Cytogenetic location: 17q25.3.
Variant type: single nucleotide variant.
Coding change: c.2234T>G on transcript NM_000152.5 (MANE Select); coding-DNA position 2234, T replaced by G.
Protein change: p.Leu745Arg; replaces leucine 745 with arginine.
Molecular consequence: missense variant.
Genome position (GRCh38, 1-based): chr17:80,117,012, T>G. VCF-style: chr17-80117012-T-G. GRCh37 (hg19) VCF-style: chr17-78090811-T-G.
Other names: c.2234T>G, p.Leu745Arg (NM_001079803.3, NM_001079804.3, NM_001406741.1 and 1 more transcripts); short protein forms L745R.
Identifiers: ClinVar variation 2441608 (VCV002441608.5), dbSNP rs2510396260, ClinGen allele CA401324766.